The following is an entry in ClinVar:

ClinVar aggregate classification (germline): Conflicting classifications of pathogenicity. Review status: criteria provided, conflicting classifications (1 of 4 stars). 7 submissions from 7 submitters: Pathogenic (1); Likely pathogenic (1); Uncertain significance (4). 1 of the submissions does not count toward it. Last evaluated 2025-11-24.

Conditions:
Deficiency of butyryl-CoA dehydrogenase (ACADSD). Also called: SCADH DEFICIENCY; SCAD Deficiency; ACADS DEFICIENCY; Short-Chain Acyl-CoA Dehydrogenase Deficiency; SCAD DEFICIENCY, MILD; ACYL-CoA DEHYDROGENASE, SHORT-CHAIN, DEFICIENCY OF. Identifiers: Orphanet 26792, MedGen C0342783, MONDO:0008722, OMIM 201470. Disease mechanism: May be benign.

Allele frequency attached by ClinVar (database versions not stated): 1000 Genomes Project 30x 0.00031; gnomAD below 0.00001 and 0.00005; ExAC 0.00002; gnomAD exomes 0.00004 and 0.00002; TOPMed below 0.00001.
gnomAD v4.1: 40 of 1,613,798 alleles (0.0025%); highest among the groups gnomAD compares: South Asian, 0.044%; 2 homozygotes.

Submissions (7):

Labcorp Genetics (formerly Invitae), Labcorp
Classification: Pathogenic for Deficiency of butyryl-CoA dehydrogenase. Last evaluated: 2025-11-24. Review status: criteria provided, single submitter. Criteria: Invitae Variant Classification Sherloc (09022015). Collection method: clinical testing. Allele origin: germline.
Comment: This sequence change replaces threonine, which is neutral and polar, with proline, which is neutral and non-polar, at codon 169 of the ACADS protein (p.Thr169Pro). This variant is present in population databases (rs777002501, gnomAD 0.04%). This missense change has been observed in individuals with short chain acyl-CoA dehydrogenase (SCAD) deficiency (PMID: 16926354, 18676165, 22424739; internal data). ClinVar contains an entry for this variant (Variation ID: 551228). Invitae Evidence Modeling of protein sequence and biophysical properties (such as structural, functional, and spatial information, amino acid conservation, physicochemical variation, residue mobility, and thermodynamic stability) indicates that this missense variant is expected to disrupt ACADS protein function with a positive predictive value of 95%. For these reasons, this variant has been classified as Pathogenic.

Fulgent Genetics
Classification: Likely pathogenic for Deficiency of butyryl-CoA dehydrogenase. Last evaluated: 2024-04-18. Review status: criteria provided, single submitter. Criteria: ACMG Guidelines, 2015. Collection method: clinical testing. Allele origin: germline.

Revvity Omics, Revvity
Classification: Uncertain significance for Deficiency of butyryl-CoA dehydrogenase. Last evaluated: 2022-05-30. Review status: criteria provided, single submitter. Criteria: ACMG Guidelines, 2015. Collection method: clinical testing. Allele origin: germline.

Genetics and Molecular Pathology, SA Pathology
Classification: Uncertain significance for Deficiency of butyryl-CoA dehydrogenase. Last evaluated: 2022-04-12. Review status: criteria provided, single submitter. Criteria: ACMG Guidelines, 2015. Collection method: clinical testing. Allele origin: germline. Inheritance: Autosomal recessive inheritance. Affected: yes.

Genome-Nilou Lab
Classification: Uncertain significance for Deficiency of butyryl-CoA dehydrogenase. Last evaluated: 2021-11-07. Review status: criteria provided, single submitter. Criteria: ACMG Guidelines, 2015. Collection method: clinical testing. Allele origin: germline. Affected: no.

Baylor Genetics
Classification: Uncertain significance for Deficiency of butyryl-CoA dehydrogenase. Last evaluated: 2018-01-22. Review status: criteria provided, single submitter. Criteria: ACMG Guidelines, 2015. Collection method: clinical testing. Allele origin: maternal. Affected: yes.
Comment: This variant was determined to be of uncertain significance according to ACMG Guidelines, 2015 [PMID:25741868].

Counsyl
Classification: Uncertain significance for Deficiency of butyryl-CoA dehydrogenase. Last evaluated: 2017-04-04. Review status: no assertion criteria provided. Collection method: clinical testing. Allele origin: unknown. Not counted in ClinVar's aggregate classification.

Literature cited by the submitters: PubMed 16926354 (cited by Labcorp Genetics (formerly Invitae), Labcorp and Counsyl); PubMed 18676165 (cited by Labcorp Genetics (formerly Invitae), Labcorp and Counsyl); PubMed 22424739 (cited by Labcorp Genetics (formerly Invitae), Labcorp and Counsyl).

NM_000017.4(ACADS):c.505A>C (p.Thr169Pro)

Gene: ACADS (acyl-CoA dehydrogenase short chain; plus strand). Cytogenetic location: 12q24.31.
Variant type: single nucleotide variant.
Coding change: c.505A>C on transcript NM_000017.4 (MANE Select); coding-DNA position 505, A replaced by C.
Protein change: p.Thr169Pro; replaces threonine 169 with proline.
Molecular consequence: missense variant. On other transcripts: intron variant (1).
Genome position (GRCh38, 1-based): chr12:120,737,869, A>C. VCF-style: chr12-120737869-A-C. GRCh37 (hg19) VCF-style: chr12-121175672-A-C.
Other names: c.473-180A>C (NM_001302554.2); short protein forms T169P.
Identifiers: ClinVar variation 551228 (VCV000551228.20), dbSNP rs777002501, ClinGen allele CA6830920.